The following is an entry in ClinVar:

NM_001291415.2(KDM6A):c.3518A>G (p.His1173Arg)

Gene: KDM6A (lysine demethylase 6A; plus strand). Cytogenetic location: Xp11.3.
Variant type: single nucleotide variant.
Coding change: c.3518A>G on transcript NM_001291415.2 (MANE Select); coding-DNA position 3518, A replaced by G.
Protein change: p.His1173Arg; replaces histidine 1173 with arginine.
Molecular consequence: missense variant. On other transcripts: non-coding transcript variant (1).
Genome position (GRCh38, 1-based): chrX:45,083,537, A>G. VCF-style: chrX-45083537-A-G. GRCh37 (hg19) VCF-style: chrX-44942782-A-G.
Other names: c.3383A>G, p.His1128Arg (NM_001291416.2, NM_001419811.1); c.3227A>G, p.His1076Arg (NM_001291417.2); c.3125A>G, p.His1042Arg (NM_001291418.2, NM_001419815.1); c.2474A>G, p.His825Arg (NM_001291421.2); c.3260A>G, p.His1087Arg (NM_001410742.1, NM_001419814.1); c.3518A>G, p.His1173Arg (NM_001419809.1); c.3416A>G, p.His1139Arg (NM_001419810.1, NM_001419813.1); c.3362A>G, p.His1121Arg (NM_001419812.1, NM_021140.4); short protein forms H1042R, H1076R, H1087R, H1121R, H1128R, H1139R, H1173R, H825R.
Identifiers: ClinVar variation 2637566 (VCV002637566.1), dbSNP rs766711516, ClinGen allele CA10392687.

ClinVar aggregate classification (germline): Uncertain significance (1 of 4 stars; one submission).

Allele frequency attached by ClinVar (database versions not stated): gnomAD exomes below 0.00001.
gnomAD v4.1: 1 of 1,208,422 alleles (0.000083%); no homozygotes.

Submission:

Women's Health and Genetics/Laboratory Corporation of America, LabCorp
Classification: Uncertain significance. Last evaluated: 2023-10-30. Review status: criteria provided, single submitter. Criteria: LabCorp Variant Classification Summary - May 2015. Collection method: clinical testing. Allele origin: germline.
Comment: Variant summary: KDM6A c.3362A>G (p.His1121Arg) results in a non-conservative amino acid change located in the JmjC domain (IPR003347) of the encoded protein sequence. Four of five in-silico tools predict a damaging effect of the variant on protein function. The variant allele was found at a frequency of 5.5e-06 in 182781 control chromosomes including one hemizygote. The available data on variant occurrences in the general population are insufficient to allow any conclusion about variant significance. To our knowledge, no occurrence of c.3362A>G in individuals affected with Kabuki Syndrome 2 and no experimental evidence demonstrating its impact on protein function have been reported. No submitters have cited clinical-significance assessments for this variant to ClinVar after 2014. Based on the evidence outlined above, the variant was classified as uncertain significance.